The following is an entry in ClinVar:

NM_000246.4(CIITA):c.2203C>T (p.Gln735Ter)

Gene: CIITA (class II major histocompatibility complex transactivator; plus strand). Cytogenetic location: 16p13.13.
Variant type: single nucleotide variant.
Coding change: c.2203C>T on transcript NM_000246.4 (MANE Select); coding-DNA position 2203, C replaced by T.
Protein change: p.Gln735Ter; replaces glutamine 735 with a stop codon.
Molecular consequence: nonsense. On other transcripts: intron variant (1).
Genome position (GRCh38, 1-based): chr16:10,907,695, C>T. VCF-style: chr16-10907695-C-T. GRCh37 (hg19) VCF-style: chr16-11001552-C-T.
Other names: c.2206C>T, p.Gln736Ter (NM_001286402.1, NM_001379332.1); c.2059C>T, p.Gln687Ter (NM_001379330.1); c.2056C>T, p.Gln686Ter (NM_001379331.1); c.2203C>T, p.Gln735Ter (NM_001379333.1); c.2134C>T, p.Gln712Ter (NM_001379334.1); c.860-1288C>T (NM_001286403.2); short protein forms Q686*, Q687*, Q735*, Q712*, Q736*.
Identifiers: ClinVar variation 2873370 (VCV002873370.3), dbSNP rs2544491788, ClinGen allele CA394732604.

ClinVar aggregate classification (germline): Pathogenic (1 of 4 stars; one submission).

Conditions:
MHC class II deficiency. Also called: Bare lymphocyte syndrome 2; BLS, TYPE II. Identifiers: Orphanet 572, MedGen C5447452, MONDO:0008855.

Submission:

Labcorp Genetics (formerly Invitae), Labcorp
Classification: Pathogenic for MHC class II deficiency. Last evaluated: 2023-11-07. Review status: criteria provided, single submitter. Criteria: Invitae Variant Classification Sherloc (09022015). Collection method: clinical testing. Allele origin: germline.
Comment: This sequence change creates a premature translational stop signal (p.Gln735*) in the CIITA gene. It is expected to result in an absent or disrupted protein product. Loss-of-function variants in CIITA are known to be pathogenic (PMID: 8402893, 9099848, 26271388). This variant is not present in population databases (gnomAD no frequency). This variant has not been reported in the literature in individuals affected with CIITA-related conditions. For these reasons, this variant has been classified as Pathogenic.

Literature cited by the submitters: PubMed 8402893; PubMed 9099848; PubMed 26271388.